The following is an entry in ClinVar:

ClinVar aggregate classification (germline): Uncertain significance. Review status: criteria provided, multiple submitters, no conflicts (2 of 4 stars). 2 submissions from 2 submitters: Uncertain significance (2). Last evaluated 2024-12-03.

Conditions:
Inborn genetic diseases. Identifiers: MedGen C0950123, MeSH D030342.

gnomAD v4.1: 38 of 1,613,552 alleles (0.0024%); highest among the groups gnomAD compares: Non-Finnish European, 0.0031%; no homozygotes.

Submissions (2):

Ambry Genetics
Classification: Uncertain significance for Inborn genetic diseases. Last evaluated: 2024-12-03. Review status: criteria provided, single submitter. Criteria: Ambry Variant Classification Scheme 2023. Collection method: clinical testing. Allele origin: germline.
Comment: The p.V1132A variant (also known as c.3395T>C), located in coding exon 24 of the ANKRD26 gene, results from a T to C substitution at nucleotide position 3395. The valine at codon 1132 is replaced by alanine, an amino acid with similar properties. This amino acid position is conserved. In addition, this alteration is predicted to be tolerated by in silico analysis. Based on the available evidence, the clinical significance of this variant remains unclear.

GeneDx
Classification: Uncertain significance. Last evaluated: 2024-05-13. Review status: criteria provided, single submitter. Criteria: GeneDx Variant Classification Process June 2021. Collection method: clinical testing. Allele origin: germline. Affected: yes.
Comment: Not observed at significant frequency in large population cohorts (gnomAD); In silico analysis supports that this missense variant has a deleterious effect on protein structure/function; Has not been previously published as pathogenic or benign to our knowledge

NM_014915.3(ANKRD26):c.3395T>C (p.Val1132Ala)

Gene: ANKRD26 (ankyrin repeat domain containing 26; minus strand). Cytogenetic location: 10p12.1.
Variant type: single nucleotide variant.
Coding change: c.3395T>C on transcript NM_014915.3 (MANE Select); coding-DNA position 3395, T replaced by C.
Protein change: p.Val1132Ala; replaces valine 1132 with alanine.
Molecular consequence: missense variant.
Genome position (GRCh38, 1-based): chr10:27,035,055, A>G on the plus strand (T>C on the coding strand, the complement: ANKRD26 is on the minus strand). VCF-style: chr10-27035055-A-G. GRCh37 (hg19) VCF-style: chr10-27323984-A-G.
Other names: c.3392T>C, p.Val1131Ala (NM_001256053.2); short protein forms V1131A, V1132A.
Identifiers: ClinVar variation 3378351 (VCV003378351.2).